The following is an entry in ClinVar:

ClinVar aggregate classification (germline): Uncertain significance (1 of 4 stars; one submission).

Conditions:
Osteogenesis imperfecta type I (OI1). Also called: Lobstein disease; Classic Non-deforming Osteogenesis Imperfecta with Blue Sclerae; Lobstein's Disease; Osteogenesis imperfecta type 1; OI, TYPE I; OSTEOGENESIS IMPERFECTA TARDA. Identifiers: Orphanet 216796, Orphanet 666, MedGen C0023931, MONDO:0008146, OMIM 166200. Disease mechanism: loss of function.

Submission:

Labcorp Genetics (formerly Invitae), Labcorp
Classification: Uncertain significance for Osteogenesis imperfecta type I. Last evaluated: 2022-06-14. Review status: criteria provided, single submitter. Criteria: Invitae Variant Classification Sherloc (09022015). Collection method: clinical testing. Allele origin: germline.
Comment: In summary, the available evidence is currently insufficient to determine the role of this variant in disease. Therefore, it has been classified as a Variant of Uncertain Significance. Algorithms developed to predict the effect of missense changes on protein structure and function are either unavailable or do not agree on the potential impact of this missense change (SIFT: "Deleterious"; PolyPhen-2: "Not Available"; Align-GVGD: "Class C65"). This variant has not been reported in the literature in individuals affected with COL1A1-related conditions. This variant is not present in population databases (gnomAD no frequency). This sequence change replaces arginine, which is basic and polar, with leucine, which is neutral and non-polar, at codon 511 of the COL1A1 protein (p.Arg511Leu).

NM_000088.4(COL1A1):c.1532G>T (p.Arg511Leu)

Gene: COL1A1 (collagen type I alpha 1 chain; minus strand). Cytogenetic location: 17q21.33.
Variant type: single nucleotide variant.
Coding change: c.1532G>T on transcript NM_000088.4 (MANE Select); coding-DNA position 1532, G replaced by T.
Protein change: p.Arg511Leu; replaces arginine 511 with leucine.
Molecular consequence: missense variant.
Genome position (GRCh38, 1-based): chr17:50,194,431, C>A on the plus strand (G>T on the coding strand, the complement: COL1A1 is on the minus strand). VCF-style: chr17-50194431-C-A. GRCh37 (hg19) VCF-style: chr17-48271792-C-A.
Other names: short protein forms R511L.
Identifiers: ClinVar variation 1923948 (VCV001923948.5), dbSNP rs780422688, ClinGen allele CA400216891.